The following is an entry in ClinVar:

ClinVar aggregate classification (germline): Pathogenic (1 of 4 stars; one submission).

Conditions:
CHARGE syndrome (CHARGE). Also called: Hittner Hirsch Kreh syndrome; CHARGE ASSOCIATION--COLOBOMA, HEART ANOMALY, CHOANAL ATRESIA, RETARDATION, GENITAL AND EAR ANOMALIES; Coloboma, heart anomaly, choanal atresia, retardation, genital and ear anomalies; CHARGE association; Hall-Hittner syndrome. Identifiers: Orphanet 138, MedGen C0265354, MONDO:0008965.

Submission:

Labcorp Genetics (formerly Invitae), Labcorp
Classification: Pathogenic for CHARGE syndrome. Last evaluated: 2020-05-04. Review status: criteria provided, single submitter. Criteria: Invitae Variant Classification Sherloc (09022015). Collection method: clinical testing. Allele origin: germline.
Comment: This sequence change creates a premature translational stop signal (p.Tyr1630Ilefs*10) in the CHD7 gene. It is expected to result in an absent or disrupted protein product. This variant is not present in population databases (ExAC no frequency). This variant has not been reported in the literature in individuals with CHD7-related conditions. Loss-of-function variants in CHD7 are known to be pathogenic (PMID: 22461308, 25077900). For these reasons, this variant has been classified as Pathogenic.

Literature cited by the submitters: PubMed 22461308; PubMed 25077900.

NM_017780.4(CHD7):c.4888del (p.Tyr1630fs)

Gene: CHD7 (chromodomain helicase DNA binding protein 7; plus strand). Cytogenetic location: 8q12.2.
Variant type: Deletion.
Coding change: c.4888del on transcript NM_017780.4 (MANE Select); coding-DNA position 4888, one base deleted (T; older notation c.4888delT).
Protein change: p.Tyr1630fs; shifts the reading frame from tyrosine 1630.
Molecular consequence: frameshift variant. On other transcripts: intron variant (1).
Genome position (GRCh38, 1-based): chr8:60,844,901, T deleted. VCF-style (leftmost placement, unchanged base first): chr8-60844900-CT-C. GRCh37 (hg19) VCF-style: chr8-61757459-CT-C.
Other names: c.1717-17328del (NM_001316690.1); short protein forms Y1630fs.
Identifiers: ClinVar variation 1076953 (VCV001076953.7), dbSNP rs2150792975, ClinGen allele CA2499219359.